The following is an entry in ClinVar:

ClinVar aggregate classification (germline): Uncertain significance (1 of 4 stars; one submission).

Allele frequency attached by ClinVar (database versions not stated): ExAC 0.00001.
gnomAD v4.1: 4 of 1,613,014 alleles (0.00025%); highest among the groups gnomAD compares: African/African-American, 0.0013%; no homozygotes.

Submission:

Labcorp Genetics (formerly Invitae), Labcorp
Classification: Uncertain significance. Last evaluated: 2023-05-20. Review status: criteria provided, single submitter. Criteria: Invitae Variant Classification Sherloc (09022015). Collection method: clinical testing. Allele origin: germline.
Comment: This variant is present in population databases (rs774126082, gnomAD 0.003%). This variant has not been reported in the literature in individuals affected with NIN-related conditions. An algorithm developed to predict the effect of missense changes on protein structure and function (PolyPhen-2) suggests that this variant is likely to be tolerated. In summary, the available evidence is currently insufficient to determine the role of this variant in disease. Therefore, it has been classified as a Variant of Uncertain Significance. This sequence change replaces asparagine, which is neutral and polar, with serine, which is neutral and polar, at codon 170 of the NIN protein (p.Asn170Ser).

NM_020921.4(NIN):c.509A>G (p.Asn170Ser)

Gene: NIN (ninein; minus strand). Cytogenetic location: 14q22.1.
Variant type: single nucleotide variant.
Coding change: c.509A>G on transcript NM_020921.4 (MANE Select); coding-DNA position 509, A replaced by G.
Protein change: p.Asn170Ser; replaces asparagine 170 with serine.
Molecular consequence: missense variant.
Genome position (GRCh38, 1-based): chr14:50,777,106, T>C on the plus strand (A>G on the coding strand, the complement: NIN is on the minus strand). VCF-style: chr14-50777106-T-C. GRCh37 (hg19) VCF-style: chr14-51243824-T-C.
Other names: c.509A>G, p.Asn170Ser (NM_016350.5, NM_182944.3, NM_182946.2); short protein forms N170S.
Identifiers: ClinVar variation 2722806 (VCV002722806.3), dbSNP rs774126082, ClinGen allele CA7182424.